The following is an entry in ClinVar:

NM_000439.5(PCSK1):c.1745G>A (p.Gly582Glu)

Genes: CAST (calpastatin; plus strand), PCSK1 (proprotein convertase subtilisin/kexin type 1; minus strand), LOC101929710 (uncharacterized LOC101929710; plus strand). Cytogenetic location: 5q15.
Variant type: single nucleotide variant.
Coding change: c.1745G>A on transcript NM_000439.5 (MANE Select); coding-DNA position 1745, G replaced by A.
Protein change: p.Gly582Glu; replaces glycine 582 with glutamic acid.
Molecular consequence: missense variant. On other transcripts: intron variant (11).
Genome position (GRCh38, 1-based): chr5:96,395,003, C>T on the plus strand (G>A on the coding strand, the complement: PCSK1 is on the minus strand). VCF-style: chr5-96395003-C-T. GRCh37 (hg19) VCF-style: chr5-95730707-C-T.
Other names: c.1604G>A, p.Gly535Glu (NM_001177875.2); c.-175+15351C>T (NM_001423254.1, NM_001423259.1, NM_001423255.1 and 6 more transcripts); c.-103+15351C>T (NM_001423253.1); c.-40+15351C>T (NM_001423258.1); short protein forms G535E, G582E.
Identifiers: ClinVar variation 3253179 (VCV003253179.1), dbSNP rs2531438430.

ClinVar aggregate classification (germline): Uncertain significance (1 of 4 stars; one submission).

Submission:

GeneDx
Classification: Uncertain significance. Last evaluated: 2024-06-16. Review status: criteria provided, single submitter. Criteria: GeneDx Variant Classification Process June 2021. Collection method: clinical testing. Allele origin: germline. Affected: yes.
Comment: Not observed at significant frequency in large population cohorts (gnomAD); In silico analysis supports that this missense variant has a deleterious effect on protein structure/function; Has not been previously published as pathogenic or benign to our knowledge